The following is an entry in ClinVar:

ClinVar aggregate classification (germline): Likely pathogenic (1 of 4 stars; one submission).

Submission:

CeGaT Center for Human Genetics Tuebingen
Classification: Likely pathogenic. Last evaluated: 2024-05-01. Review status: criteria provided, single submitter. Criteria: CeGaT Center For Human Genetics Tuebingen Variant Classification Criteria Version 2. Collection method: clinical testing. Allele origin: germline. Affected: yes. Observed: 1 variant allele.
Comment: STAT3: PM1, PM2, PM5, PP2, PP3

NM_139276.3(STAT3):c.1078T>C (p.Tyr360His)

Gene: STAT3 (signal transducer and activator of transcription 3; minus strand). Cytogenetic location: 17q21.2.
Variant type: single nucleotide variant.
Coding change: c.1078T>C on transcript NM_139276.3 (MANE Select); coding-DNA position 1078, T replaced by C.
Protein change: p.Tyr360His; replaces tyrosine 360 with histidine.
Molecular consequence: missense variant. On other transcripts: intron variant (1).
Genome position (GRCh38, 1-based): chr17:42,331,503, A>G on the plus strand (T>C on the coding strand, the complement: STAT3 is on the minus strand). VCF-style: chr17-42331503-A-G. GRCh37 (hg19) VCF-style: chr17-40483521-A-G.
Other names: c.1078T>C, p.Tyr360His (NM_001369512.1, NM_001369513.1, NM_001369514.1 and 14 more transcripts); c.1000T>C, p.Tyr334His (NM_001384985.1); c.982T>C, p.Tyr328His (NM_001384989.1); c.1050-1727T>C (NM_001384992.1); short protein forms Y328H, Y334H, Y360H.
Identifiers: ClinVar variation 3239432 (VCV003239432.19), dbSNP rs2509357631.